The following is an entry in ClinVar:

NM_005996.4(TBX3):c.1236G>T (p.Ser412=)

Gene: TBX3 (T-box transcription factor 3; minus strand). Cytogenetic location: 12q24.21.
Variant type: single nucleotide variant.
Coding change: c.1236G>T on transcript NM_005996.4 (MANE Select); coding-DNA position 1236, G replaced by T.
Protein change: p.Ser412=; no amino-acid change (serine 412 retained).
Molecular consequence: synonymous variant.
Genome position (GRCh38, 1-based): chr12:114,674,639, C>A on the plus strand (G>T on the coding strand, the complement: TBX3 is on the minus strand). VCF-style: chr12-114674639-C-A. GRCh37 (hg19) VCF-style: chr12-115112444-C-A.
Other names: c.1296G>T, p.Ser432= (NM_016569.4).
Identifiers: ClinVar variation 307366 (VCV000307366.19), dbSNP rs62640916, ClinGen allele CA6809959.
Genomic context (GRCh38, chr12:114,674,639, plus strand): 5'-CTCCGCGCCCAGGCCGCGAGTGCTGGACGAGATGGTGGCGGGGCTATGGCGTGAGTCGGG[C>A]GACGCTTTGTCCAGCCGCCCGCTGTCCCGGGGCCGCTCAGCAGCGAAAAGGTGAGCCTTG-3'
Protein context (NP_005987.3, residues 402-422): PRDSGRLDKA[Ser412=]PDSRHSPATI

ClinVar aggregate classification (germline): Benign/Likely benign. Review status: criteria provided, multiple submitters, no conflicts (2 of 4 stars). 4 submissions from 4 submitters: Benign (2); Likely benign (2). Last evaluated 2026-01-20.

Conditions:
Ulnar-mammary syndrome (UMS). Also called: SCHINZEL SYNDROME; Ulnar-mammary syndrome of Pallister; PALLISTER ULNAR-MAMMARY SYNDROME. Identifiers: Orphanet 3138, MedGen C1866994, MONDO:0008411, OMIM 181450.

Allele frequency attached by ClinVar (database versions not stated): gnomAD 0.00282 and 0.00353; TOPMed 0.00310; ESP Exome Variant Server 0.00477; 1000 Genomes Project 30x 0.00515; 1000 Genomes Project 0.00519.
gnomAD v4.1: 6,957 of 1,606,458 alleles (0.43%); highest among the groups gnomAD compares: South Asian, 2.6%; 97 homozygotes.

Submissions (4):

Labcorp Genetics (formerly Invitae), Labcorp
Classification: Benign for Ulnar-mammary syndrome. Last evaluated: 2026-01-20. Review status: criteria provided, single submitter. Criteria: Invitae Variant Classification Sherloc (09022015). Collection method: clinical testing. Allele origin: germline.

GeneDx
Classification: Likely benign. Last evaluated: 2021-09-16. Review status: criteria provided, single submitter. Criteria: GeneDx Variant Classification Process June 2021. Collection method: clinical testing. Allele origin: germline. Affected: yes.

Illumina Laboratory Services, Illumina
Classification: Benign for Ulnar-mammary syndrome. Last evaluated: 2018-01-13. Review status: criteria provided, single submitter. Criteria: ICSL Variant Classification Criteria 13 December 2019. Collection method: clinical testing. Allele origin: germline.
Comment: This variant was observed in the ICSL laboratory as part of a predisposition screen in an ostensibly healthy population. It had not been previously curated by ICSL or reported in the Human Gene Mutation Database (HGMD: prior to June 1st, 2018), and was therefore a candidate for classification through an automated scoring system. Utilizing variant allele frequency, disease prevalence and penetrance estimates, and inheritance mode, an automated score was calculated to assess if this variant is too frequent to cause the disease. Based on the score and internal cut-off values, a variant classified as benign is not then subjected to further curation. The score for this variant resulted in a classification of benign for this disease.

Breakthrough Genomics
Classification: Likely benign. Review status: criteria provided, single submitter. Criteria: ACMG Guidelines, 2015. Collection method: not provided. Allele origin: germline. Inheritance: Autosomal dominant inheritance. Affected: yes.